The following is an entry in ClinVar:

NM_001005242.3(PKP2):c.336+1G>T

Gene: PKP2 (plakophilin 2; minus strand). Cytogenetic location: 12p11.21.
Variant type: single nucleotide variant.
Coding change: c.336+1G>T on transcript NM_001005242.3 (MANE Select); the canonical splice donor site of the intron after coding-DNA position 336, G replaced by T.
Molecular consequence: splice donor variant.
Genome position (GRCh38, 1-based): chr12:32,878,919, C>A on the plus strand (G>T on the coding strand, the complement: PKP2 is on the minus strand). VCF-style: chr12-32878919-C-A. GRCh37 (hg19) VCF-style: chr12-33031853-C-A.
Other names: c.336+1G>T (NM_001407156.1, NM_001407155.1, NM_004572.4 and 2 more transcripts); c.9+1G>T (NM_001407160.1, NM_001407159.1, NM_001407158.1 and 1 more transcripts).
Identifiers: ClinVar variation 1344540 (VCV001344540.2), dbSNP rs2137952423, ClinGen allele CA384366319.

ClinVar aggregate classification (germline): Pathogenic (1 of 4 stars; one submission).

Conditions:
Arrhythmogenic right ventricular dysplasia 9 (ARVD9). Also called: ARRHYTHMOGENIC RIGHT VENTRICULAR DYSPLASIA, FAMILIAL, 9; Arrhythmogenic Right Ventricular Dysplasia/Cardiomyopathy 9. Identifiers: MedGen C1836906, MONDO:0012180, OMIM 609040.

Submission:

Petrovsky National Research Centre of Surgery, The Federal Agency for Scientific Organizations
Classification: Pathogenic for Arrhythmogenic right ventricular dysplasia 9. Last evaluated: 2022-03-17. Review status: criteria provided, single submitter. Criteria: ACMG Guidelines, 2015. Collection method: clinical testing. Allele origin: germline. Inheritance: Autosomal dominant inheritance. Affected: yes. Observed: 1 heterozygote.
Comment: This variant is not present in databases (gnomAD, LOVD). Online bioinformatic resources classify the c.336+1G>T variant as probably pathogenic. It is expected to result in splice sites changes in mRNA. Furthermore, the pathogenic c.336+1G>A variant located in the same nucleotide position was described in ARVC patient (PMID: 24125834). Due to the fact that our patient was also diagnosed with ARVC, we assume that the c.336+1G>T variant could be classified as Pathogenic.